The following is an entry in ClinVar:

NM_000628.5(IL10RB):c.157A>C (p.Thr53Pro)

Genes: IL10RB (interleukin 10 receptor subunit beta; plus strand), IFNAR2-IL10RB (IFNAR2-IL10RB readthrough; plus strand). Cytogenetic location: 21q22.11.
Variant type: single nucleotide variant.
Coding change: c.157A>C on transcript NM_000628.5 (MANE Select); coding-DNA position 157, A replaced by C.
Protein change: p.Thr53Pro; replaces threonine 53 with proline.
Molecular consequence: missense variant.
Genome position (GRCh38, 1-based): chr21:33,268,501, A>C. VCF-style: chr21-33268501-A-C. GRCh37 (hg19) VCF-style: chr21-34640806-A-C.
Other names: short protein forms T53P.
Identifiers: ClinVar variation 842870 (VCV000842870.11), dbSNP rs1989015732, ClinGen allele CA410107401.

ClinVar aggregate classification (germline): Uncertain significance (1 of 4 stars; one submission).

Conditions:
Inflammatory bowel disease 25. Also called: Inflammatory bowel disease 25, early onset, autosomal recessive. Identifiers: Orphanet 238569, MedGen C2675508, MONDO:0012941, OMIM 612567.

Submission:

Labcorp Genetics (formerly Invitae), Labcorp
Classification: Uncertain significance for Inflammatory bowel disease 25. Last evaluated: 2019-12-25. Review status: criteria provided, single submitter. Criteria: Invitae Variant Classification Sherloc (09022015). Collection method: clinical testing. Allele origin: germline.
Comment: In summary, the available evidence is currently insufficient to determine the role of this variant in disease. Therefore, it has been classified as a Variant of Uncertain Significance. Algorithms developed to predict the effect of missense changes on protein structure and function are either unavailable or do not agree on the potential impact of this missense change (SIFT: "Tolerated"; PolyPhen-2: "Probably Damaging"; Align-GVGD: "Class C0"). This variant has not been reported in the literature in individuals with IL10RB-related conditions. This variant is not present in population databases (ExAC no frequency). This sequence change replaces threonine with proline at codon 53 of the IL10RB protein (p.Thr53Pro). The threonine residue is moderately conserved and there is a small physicochemical difference between threonine and proline.